The following is an entry in ClinVar:

ClinVar aggregate classification (germline): Uncertain significance. Review status: criteria provided, multiple submitters, no conflicts (2 of 4 stars). 2 submissions from 2 submitters: Uncertain significance (2). Last evaluated 2024-05-24.

Allele frequency attached by ClinVar (database versions not stated): TOPMed 0.00002; gnomAD exomes 0.00004 and 0.00011; ExAC 0.00014.
gnomAD v4.1: 65 of 1,614,160 alleles (0.004%); highest among the groups gnomAD compares: South Asian, 0.066%; no homozygotes.

Submissions (2):

Ambry Genetics
Classification: Uncertain significance. Last evaluated: 2024-05-24. Review status: criteria provided, single submitter. Criteria: Ambry Variant Classification Scheme 2023. Collection method: clinical testing. Allele origin: germline.

Labcorp Genetics (formerly Invitae), Labcorp
Classification: Uncertain significance. Last evaluated: 2022-09-12. Review status: criteria provided, single submitter. Criteria: Invitae Variant Classification Sherloc (09022015). Collection method: clinical testing. Allele origin: germline.
Comment: This sequence change replaces glutamic acid, which is acidic and polar, with aspartic acid, which is acidic and polar, at codon 1664 of the CCDC88A protein (p.Glu1664Asp). This variant is present in population databases (rs763392095, gnomAD 0.08%). This variant has not been reported in the literature in individuals affected with CCDC88A-related conditions. ClinVar contains an entry for this variant (Variation ID: 1368281). Algorithms developed to predict the effect of missense changes on protein structure and function output the following: SIFT: "Tolerated"; PolyPhen-2: "Benign"; Align-GVGD: "Class C0". The aspartic acid amino acid residue is found in multiple mammalian species, which suggests that this missense change does not adversely affect protein function. In summary, the available evidence is currently insufficient to determine the role of this variant in disease. Therefore, it has been classified as a Variant of Uncertain Significance.

NM_001365480.1(CCDC88A):c.4995G>C (p.Glu1665Asp)

Gene: CCDC88A (coiled-coil domain containing 88A; minus strand). Cytogenetic location: 2p16.1.
Variant type: single nucleotide variant.
Coding change: c.4995G>C on transcript NM_001365480.1 (MANE Select); coding-DNA position 4995, G replaced by C.
Protein change: p.Glu1665Asp; replaces glutamic acid 1665 with aspartic acid.
Molecular consequence: missense variant.
Genome position (GRCh38, 1-based): chr2:55,296,354, C>G on the plus strand (G>C on the coding strand, the complement: CCDC88A is on the minus strand). VCF-style: chr2-55296354-C-G. GRCh37 (hg19) VCF-style: chr2-55523490-C-G.
Other names: c.4992G>C, p.Glu1664Asp (NM_001135597.2, NM_001254943.2); c.4911G>C, p.Glu1637Asp (NM_018084.5); c.4992G>C (NM_001135597.1); short protein forms E1664D, E1665D, E1637D.
Identifiers: ClinVar variation 1368281 (VCV001368281.4), dbSNP rs763392095, ClinGen allele CA1665420.
Genomic context (GRCh38, chr2:55,296,354, plus strand): 5'-CTGTTGTAGAGTAACAACTTCACTTCCAGGGGAACCAGTTTTGATCTTGTGATGTCGACT[C>G]TCCAGTGTTTCAGATATTTTGTGCTGGAGCACTGGGCTTGATCTGGTCTGTCTTTTCAAG-3'
Protein context (NP_001352409.1, residues 1655-1675): VLQHKISETL[Glu1665Asp]SRHHKIKTGS